The following is an entry in ClinVar:

ClinVar aggregate classification (germline): Uncertain significance (1 of 4 stars; one submission).

Submission:

Dasa
Classification: Uncertain significance. Last evaluated: 2025-06-10. Review status: criteria provided, single submitter. Criteria: DASA Assertion Criteria. Collection method: clinical testing. Allele origin: germline.
Comment: NM_005458.8(GABBR2):c.460-4T>C is a splice-region variant. This variant is absent from population databases. Computational prediction algorithms are consistent with a benign effect. The currently available literature and clinical evidence are not sufficient to establish a definitive association between this variant and the reported condition. Therefore, this variant is classified as a variant of uncertain significance.

NM_005458.8(GABBR2):c.460-4T>C

Gene: GABBR2 (gamma-aminobutyric acid type B receptor subunit 2; minus strand). Cytogenetic location: 9q22.33.
Variant type: single nucleotide variant.
Coding change: c.460-4T>C on transcript NM_005458.8 (MANE Select); 4 bases into the intron before coding-DNA position 460, T replaced by C.
Molecular consequence: intron variant.
Genome position (GRCh38, 1-based): chr9:98,542,047, A>G on the plus strand (T>C on the coding strand, the complement: GABBR2 is on the minus strand). VCF-style: chr9-98542047-A-G. GRCh37 (hg19) VCF-style: chr9-101304329-A-G.
Identifiers: ClinVar variation 4885119 (VCV004885119.2).
Genomic context (GRCh38, chr9:98,542,047, plus strand): 5'-GAAATAAGGGTATTTTTTCTTATCGGCTAGAACAGGCGTGGTTGCAGCAAAAGAAAGCTG[A>G]AAAACACAAAAGAGACAACGCTTTTTACTGATGAGCCTCACAGCTGTGACCCAGCATCTT-3'